The following is an entry in ClinVar:

ClinVar aggregate classification (germline): Uncertain significance. Review status: criteria provided, multiple submitters, no conflicts (2 of 4 stars). 3 submissions from 3 submitters: Uncertain significance (3). Last evaluated 2024-03-21.

Conditions:
Multiple endocrine neoplasia, type 1 (MEN1). Also called: MEA I; MEN I; WERMER SYNDROME; Endocrine adenomatosis multiple; MEN 1. Identifiers: Orphanet 652, MedGen C0025267, MeSH D018761, MONDO:0007540, OMIM 131100.
Hereditary cancer-predisposing syndrome. Also called: Hereditary Cancer Syndrome; Hereditary neoplastic syndrome; Tumor predisposition; Neoplastic Syndromes, Hereditary. Identifiers: Orphanet 140162, MedGen C0027672, MeSH D009386, MONDO:0015356.

Allele frequency attached by ClinVar (database versions not stated): gnomAD exomes below 0.00001 and 0.00001.

Submissions (3):

Molecular Pathology, Peter Maccallum Cancer Centre
Classification: Uncertain significance for Multiple endocrine neoplasia, type 1. Last evaluated: 2024-03-21. Review status: criteria provided, single submitter. Criteria: ACMG Guidelines, 2015. Collection method: clinical testing. Allele origin: germline. Inheritance: Autosomal dominant inheritance.

Ambry Genetics
Classification: Uncertain significance for Hereditary cancer-predisposing syndrome. Last evaluated: 2023-09-21. Review status: criteria provided, single submitter. Criteria: Ambry Variant Classification Scheme 2023. Collection method: clinical testing. Allele origin: germline.
Comment: The p.E60Q variant (also known as c.178G>C), located in coding exon 1 of the MEN1 gene, results from a G to C substitution at nucleotide position 178. The glutamic acid at codon 60 is replaced by glutamine, an amino acid with highly similar properties. This amino acid position is conserved. In addition, the in silico prediction for this alteration is inconclusive. Since supporting evidence is limited at this time, the clinical significance of this alteration remains unclear.

Labcorp Genetics (formerly Invitae), Labcorp
Classification: Uncertain significance for Multiple endocrine neoplasia, type 1. Last evaluated: 2022-07-12. Review status: criteria provided, single submitter. Criteria: Invitae Variant Classification Sherloc (09022015). Collection method: clinical testing. Allele origin: germline.
Comment: This variant has not been reported in the literature in individuals affected with MEN1-related conditions. This variant is present in population databases (no rsID available, gnomAD 0.001%). This sequence change replaces glutamic acid, which is acidic and polar, with glutamine, which is neutral and polar, at codon 60 of the MEN1 protein (p.Glu60Gln). ClinVar contains an entry for this variant (Variation ID: 1358994). In summary, the available evidence is currently insufficient to determine the role of this variant in disease. Therefore, it has been classified as a Variant of Uncertain Significance. Advanced modeling of protein sequence and biophysical properties (such as structural, functional, and spatial information, amino acid conservation, physicochemical variation, residue mobility, and thermodynamic stability) performed at Invitae indicates that this missense variant is not expected to disrupt MEN1 protein function.

NM_001370259.2(MEN1):c.178G>C (p.Glu60Gln)

Gene: MEN1 (menin 1; minus strand). Cytogenetic location: 11q13.1.
Variant type: single nucleotide variant.
Coding change: c.178G>C on transcript NM_001370259.2 (MANE Select); coding-DNA position 178, G replaced by C.
Protein change: p.Glu60Gln; replaces glutamic acid 60 with glutamine.
Molecular consequence: missense variant.
Genome position (GRCh38, 1-based): chr11:64,809,932, C>G on the plus strand (G>C on the coding strand, the complement: MEN1 is on the minus strand). VCF-style: chr11-64809932-C-G. GRCh37 (hg19) VCF-style: chr11-64577404-C-G.
Other names: c.178G>C, p.Glu60Gln (NM_000244.4, NM_001370251.2, NM_001370260.2 and 9 more transcripts); c.178G>C (NM_130799.2); short protein forms E60Q.
Identifiers: ClinVar variation 1358994 (VCV001358994.6), dbSNP rs1174208039, ClinGen allele CA381187709.
Genomic context (GRCh38, chr11:64,809,932, plus strand): 5'-CGGGAAAGTAGGTGAGGCCGCCAGGCGGGTCGGGGGCGGGGCTGGGCTGGAAGGTGAGCT[C>G]GGGAACGTTGGTAGGGATGACGCGGTTGACAGCCAGAAAATGCTCCACGAAGCCCAGCAC-3'
Protein context (NP_001357188.2, residues 50-70): VNRVIPTNVP[Glu60Gln]LTFQPSPAPD